The following is an entry in ClinVar:

ClinVar aggregate classification (germline): Uncertain significance (1 of 4 stars; one submission).

Allele frequency attached by ClinVar (database versions not stated): TOPMed below 0.00001.
gnomAD v4.1: 2 of 1,613,314 alleles (0.00012%); highest among the groups gnomAD compares: Non-Finnish European, 0.00017%; no homozygotes.

Submission:

Labcorp Genetics (formerly Invitae), Labcorp
Classification: Uncertain significance. Last evaluated: 2021-07-26. Review status: criteria provided, single submitter. Criteria: Invitae Variant Classification Sherloc (09022015). Collection method: clinical testing. Allele origin: germline.
Comment: In summary, the available evidence is currently insufficient to determine the role of this variant in disease. Therefore, it has been classified as a Variant of Uncertain Significance. Algorithms developed to predict the effect of sequence changes on RNA splicing suggest that this variant may create or strengthen a splice site. This variant has not been reported in the literature in individuals affected with ADCY10-related conditions. This variant is not present in population databases (ExAC no frequency). This sequence change affects codon 395 of the ADCY10 mRNA. It is a 'silent' change, meaning that it does not change the encoded amino acid sequence of the ADCY10 protein.

NM_018417.6(ADCY10):c.1185C>A (p.Ile395=)

Genes: ADCY10 (adenylate cyclase 10; minus strand), DCAF6 (DDB1 and CUL4 associated factor 6; plus strand). Cytogenetic location: 1q24.2.
Variant type: single nucleotide variant.
Coding change: c.1185C>A on transcript NM_018417.6 (MANE Select); coding-DNA position 1185, C replaced by A.
Protein change: p.Ile395=; no amino-acid change (isoleucine 395 retained).
Molecular consequence: synonymous variant.
Genome position (GRCh38, 1-based): chr1:167,880,146, G>T on the plus strand (C>A on the coding strand, the complement: ADCY10 is on the minus strand). VCF-style: chr1-167880146-G-T. GRCh37 (hg19) VCF-style: chr1-167849384-G-T.
Other names: c.726C>A, p.Ile242= (NM_001167749.3); c.909C>A, p.Ile303= (NM_001297772.2).
Identifiers: ClinVar variation 1478066 (VCV001478066.8), dbSNP rs757261904, ClinGen allele CA421703633.